The following is an entry in ClinVar:

NM_001184.4(ATR):c.3432C>T (p.Gly1144=)

Gene: ATR (ATR checkpoint kinase; minus strand). Cytogenetic location: 3q23.
Variant type: single nucleotide variant.
Coding change: c.3432C>T on transcript NM_001184.4 (MANE Select); coding-DNA position 3432, C replaced by T.
Protein change: p.Gly1144=; no amino-acid change (glycine 1144 retained).
Molecular consequence: synonymous variant.
Genome position (GRCh38, 1-based): chr3:142,542,683, G>A on the plus strand (C>T on the coding strand, the complement: ATR is on the minus strand). VCF-style: chr3-142542683-G-A. GRCh37 (hg19) VCF-style: chr3-142261525-G-A.
Other names: c.3240C>T, p.Gly1080= (NM_001354579.2).
Identifiers: ClinVar variation 1525471 (VCV001525471.8), dbSNP rs2108441205, ClinGen allele CA436122113.
Genomic context (GRCh38, chr3:142,542,683, plus strand): 5'-GTATGAATTCTATCTTAGCACTCTGGAACTATCACCACTTACCATTTTCTTATCTTCAAT[G>A]CCAACACTAGAGCTCAGTAACTGCATGTTAAAAAAAGCCAAAATGCCCAACAATTTGGGT-3'
Protein context (NP_001175.2, residues 1134-1154): FNMQLLSSSV[Gly1144=]IEDKKMALNS

ClinVar aggregate classification (germline): Uncertain significance (1 of 4 stars; one submission).

Submission:

Labcorp Genetics (formerly Invitae), Labcorp
Classification: Uncertain significance. Last evaluated: 2020-11-05. Review status: criteria provided, single submitter. Criteria: Invitae Variant Classification Sherloc (09022015). Collection method: clinical testing. Allele origin: germline.
Comment: This sequence change affects codon 1144 of the ATR mRNA. It is a 'silent' change, meaning that it does not change the encoded amino acid sequence of the ATR protein. This variant is not present in population databases (ExAC no frequency). This variant has not been reported in the literature in individuals with ATR-related conditions. Algorithms developed to predict the effect of sequence changes on RNA splicing suggest that this variant may create or strengthen a splice site, but this prediction has not been confirmed by published transcriptional studies. In summary, the available evidence is currently insufficient to determine the role of this variant in disease. Therefore, it has been classified as a Variant of Uncertain Significance.